The following is an entry in ClinVar:

ClinVar aggregate classification (germline): Uncertain significance (1 of 4 stars; one submission).

Allele frequency attached by ClinVar (database versions not stated): ExAC 0.00003.
gnomAD v4.1: 19 of 1,611,782 alleles (0.0012%); highest among the groups gnomAD compares: East Asian, 0.02%; no homozygotes.

Submission:

Labcorp Genetics (formerly Invitae), Labcorp
Classification: Uncertain significance. Last evaluated: 2023-07-06. Review status: criteria provided, single submitter. Criteria: Invitae Variant Classification Sherloc (09022015). Collection method: clinical testing. Allele origin: germline.
Comment: Variants that disrupt the consensus splice site are a relatively common cause of aberrant splicing (PMID: 17576681, 9536098). Algorithms developed to predict the effect of sequence changes on RNA splicing suggest that this variant is not likely to affect RNA splicing. This variant has not been reported in the literature in individuals affected with SRCAP-related conditions. This variant is present in population databases (rs770100562, gnomAD 0.02%). This sequence change falls in intron 11 of the SRCAP gene. It does not directly change the encoded amino acid sequence of the SRCAP protein. It affects a nucleotide within the consensus splice site. In summary, the available evidence is currently insufficient to determine the role of this variant in disease. Therefore, it has been classified as a Variant of Uncertain Significance.

Literature cited by the submitters: PubMed 17576681; PubMed 9536098.

NM_006662.3(SRCAP):c.1492+5A>G

Gene: SRCAP (Snf2 related CREBBP activator protein; plus strand). Cytogenetic location: 16p11.2.
Variant type: single nucleotide variant.
Coding change: c.1492+5A>G on transcript NM_006662.3 (MANE Select); 5 bases into the intron after coding-DNA position 1492, A replaced by G.
Molecular consequence: intron variant.
Genome position (GRCh38, 1-based): chr16:30,711,749, A>G. VCF-style: chr16-30711749-A-G. GRCh37 (hg19) VCF-style: chr16-30723070-A-G.
Identifiers: ClinVar variation 2731395 (VCV002731395.3), dbSNP rs770100562, ClinGen allele CA8011001.
Genomic context (GRCh38, chr16:30,711,749, plus strand): 5'-AGAGGGGCCCGTGGAAGCGGAAGAGCCTCCTCAGGAGGATAGTAGCAGTCAGTCAGGTGA[A>G]TATGTGGTCATGAAGCAGGAGCTGGGGAGGGTGGCCATTGGAAGAGCAGGTATGATGAGC-3'